The following is an entry in ClinVar:

NM_001563.4(IMPG1):c.807+1G>A

Gene: IMPG1 (interphotoreceptor matrix proteoglycan 1; minus strand). Cytogenetic location: 6q14.1.
Variant type: single nucleotide variant.
Coding change: c.807+1G>A on transcript NM_001563.4 (MANE Select); the canonical splice donor site of the intron after coding-DNA position 807, G replaced by A.
Molecular consequence: splice donor variant.
Genome position (GRCh38, 1-based): chr6:76,018,717, C>T on the plus strand (G>A on the coding strand, the complement: IMPG1 is on the minus strand). VCF-style: chr6-76018717-C-T. GRCh37 (hg19) VCF-style: chr6-76728434-C-T.
Other names: c.573+1G>A (NM_001282368.2).
Identifiers: ClinVar variation 861629 (VCV000861629.11), dbSNP rs713993046, ClinGen allele CA364778644.

ClinVar aggregate classification (germline): Pathogenic/Likely pathogenic. Review status: criteria provided, multiple submitters, no conflicts (2 of 4 stars). 2 submissions from 2 submitters: Pathogenic (1); Likely pathogenic (1). Last evaluated 2024-08-20.

Conditions:
IMPG1-related disorder. Also called: IMPG1-related condition.

Submissions (2):

Labcorp Genetics (formerly Invitae), Labcorp
Classification: Pathogenic. Last evaluated: 2024-08-20. Review status: criteria provided, single submitter. Criteria: Invitae Variant Classification Sherloc (09022015). Collection method: clinical testing. Allele origin: germline.
Comment: This sequence change affects a donor splice site in intron 7 of the IMPG1 gene. It is expected to disrupt RNA splicing. Variants that disrupt the donor or acceptor splice site typically lead to a loss of protein function (PMID: 16199547), and loss-of-function variants in IMPG1 are known to be pathogenic (PMID: 23993198). This variant is not present in population databases (gnomAD no frequency). Disruption of this splice site has been observed in individual(s) with autosomal recessive vitelliform macular dystrophy (PMID: 23993198). It has also been observed to segregate with disease in related individuals. ClinVar contains an entry for this variant (Variation ID: 861629). Algorithms developed to predict the effect of sequence changes on RNA splicing suggest that this variant may disrupt the consensus splice site. For these reasons, this variant has been classified as Pathogenic.

Blueprint Genetics
Classification: Likely pathogenic for IMPG1-related disorders. Last evaluated: 2024-02-12. Review status: criteria provided, single submitter. Criteria: ACMG Guidelines, 2015. Collection method: clinical testing. Allele origin: germline. Affected: yes. Observed: 1 variant allele.

Literature cited by the submitters: PubMed 16199547 (cited by Labcorp Genetics (formerly Invitae), Labcorp); PubMed 23993198 (cited by Labcorp Genetics (formerly Invitae), Labcorp).